The following is an entry in ClinVar:

NM_004629.2(FANCG):c.1471A>G (p.Lys491Glu)

Gene: FANCG (FA complementation group G; minus strand). Cytogenetic location: 9p13.3.
Variant type: single nucleotide variant.
Coding change: c.1471A>G on transcript NM_004629.2 (MANE Select); coding-DNA position 1471, A replaced by G.
Protein change: p.Lys491Glu; replaces lysine 491 with glutamic acid.
Molecular consequence: missense variant.
Genome position (GRCh38, 1-based): chr9:35,075,288, T>C on the plus strand (A>G on the coding strand, the complement: FANCG is on the minus strand). VCF-style: chr9-35075288-T-C. GRCh37 (hg19) VCF-style: chr9-35075285-T-C.
Other names: short protein forms K491E.
Identifiers: ClinVar variation 3848385 (VCV003848385.1).

ClinVar aggregate classification (germline): Uncertain significance (1 of 4 stars; one submission).

Conditions:
Inborn genetic diseases. Identifiers: MedGen C0950123, MeSH D030342.

gnomAD v4.1: 5 of 1,614,162 alleles (0.00031%); highest among the groups gnomAD compares: South Asian, 0.0055%; no homozygotes.

Submission:

Ambry Genetics
Classification: Uncertain significance for Inborn genetic diseases. Last evaluated: 2024-12-23. Review status: criteria provided, single submitter. Criteria: Ambry Variant Classification Scheme 2023. Collection method: clinical testing. Allele origin: germline.
Comment: The p.K491E variant (also known as c.1471A>G), located in coding exon 11 of the FANCG gene, results from an A to G substitution at nucleotide position 1471. The lysine at codon 491 is replaced by glutamic acid, an amino acid with similar properties. This amino acid position is conserved. In addition, this alteration is predicted to be tolerated by in silico analysis. Based on the available evidence, the clinical significance of this variant remains unclear.